The following is an entry in ClinVar:

ClinVar aggregate classification (germline): Uncertain significance (1 of 4 stars; one submission).

Submission:

GeneDx
Classification: Uncertain significance. Last evaluated: 2023-05-02. Review status: criteria provided, single submitter. Criteria: GeneDx Variant Classification Process June 2021. Collection method: clinical testing. Allele origin: germline. Affected: yes.
Comment: Not observed at significant frequency in large population cohorts (gnomAD); In silico analysis supports that this missense variant has a deleterious effect on protein structure/function; Has not been previously published as pathogenic or benign to our knowledge

NM_015100.4(POGZ):c.2246G>C (p.Gly749Ala)

Gene: POGZ (pogo transposable element derived with ZNF domain; minus strand). Cytogenetic location: 1q21.3.
Variant type: single nucleotide variant.
Coding change: c.2246G>C on transcript NM_015100.4 (MANE Select); coding-DNA position 2246, G replaced by C.
Protein change: p.Gly749Ala; replaces glycine 749 with alanine.
Molecular consequence: missense variant.
Genome position (GRCh38, 1-based): chr1:151,408,229, C>G on the plus strand (G>C on the coding strand, the complement: POGZ is on the minus strand). VCF-style: chr1-151408229-C-G. GRCh37 (hg19) VCF-style: chr1-151380705-C-G.
Other names: c.2219G>C, p.Gly740Ala (NM_001194937.2); c.2060G>C, p.Gly687Ala (NM_001194938.2); c.2267G>C, p.Gly756Ala (NM_001410860.1); c.1961G>C, p.Gly654Ala (NM_145796.4); c.2087G>C, p.Gly696Ala (NM_207171.2); short protein forms G654A, G687A, G696A, G740A, G749A, G756A.
Identifiers: ClinVar variation 2661928 (VCV002661928.1), dbSNP rs2529240016, ClinGen allele CA341955810.